The following is an entry in ClinVar:

NM_000361.3(THBD):c.*793A>G

Gene: THBD (thrombomodulin; minus strand). Cytogenetic location: 20p11.21.
Variant type: single nucleotide variant.
Coding change: c.*793A>G on transcript NM_000361.3 (MANE Select); 793 bases downstream of the stop codon, A replaced by G.
Molecular consequence: 3 prime UTR variant.
Genome position (GRCh38, 1-based): chr20:23,046,984, T>C on the plus strand (A>G on the coding strand, the complement: THBD is on the minus strand). VCF-style: chr20-23046984-T-C. GRCh37 (hg19) VCF-style: chr20-23027621-T-C.
Identifiers: ClinVar variation 337864 (VCV000337864.6), dbSNP rs1042580, ClinGen allele CA10643566.
Genomic context (GRCh38, chr20:23,046,984, plus strand): 5'-AGTAAAGATAAATACCTCTTTGGGTGTAATTTCTATGACAGTCCAGCAACATCAATTTAA[T>C]ACCTTTTACATCTCAACCTTTGTTTAAAATTATTTTGCTCTGGGAATCTGAAATTTCAGG-3'

ClinVar aggregate classification (germline): Benign. Review status: criteria provided, multiple submitters, no conflicts (2 of 4 stars). 2 submissions from 2 submitters: Benign (2). Last evaluated 2018-01-12.

Conditions:
Atypical hemolytic-uremic syndrome with thrombomodulin anomaly. Also called: HEMOLYTIC UREMIC SYNDROME, ATYPICAL, SUSCEPTIBILITY TO, 6; AHUS, SUSCEPTIBILITY TO, 6. Identifiers: MedGen C2752036, MONDO:0013044, OMIM 612926. Disease mechanism: gain of function.

Allele frequency attached by ClinVar (database versions not stated): gnomAD 0.32629 and 0.32212; 1000 Genomes Project 30x 0.29747; 1000 Genomes Project 0.30212; gnomAD exomes 0.50000; TOPMed 0.31691.

Submissions (2):

Illumina Laboratory Services, Illumina
Classification: Benign for Atypical hemolytic-uremic syndrome with thrombomodulin anomaly. Last evaluated: 2018-01-12. Review status: criteria provided, single submitter. Criteria: ICSL Variant Classification Criteria 13 December 2019. Collection method: clinical testing. Allele origin: germline.
Comment: This variant was observed in the ICSL laboratory as part of a predisposition screen in an ostensibly healthy population. It had not been previously curated by ICSL or reported in the Human Gene Mutation Database (HGMD: prior to June 1st, 2018), and was therefore a candidate for classification through an automated scoring system. Utilizing variant allele frequency, disease prevalence and penetrance estimates, and inheritance mode, an automated score was calculated to assess if this variant is too frequent to cause the disease. Based on the score and internal cut-off values, a variant classified as benign is not then subjected to further curation. The score for this variant resulted in a classification of benign for this disease.

Breakthrough Genomics
Classification: Benign. Review status: criteria provided, single submitter. Criteria: ACMG Guidelines, 2015. Collection method: not provided. Allele origin: germline. Inheritance: Autosomal dominant inheritance. Affected: yes.